The following is an entry in ClinVar:

NM_003172.4(SURF1):c.2T>C (p.Met1Thr)

Gene: SURF1 (SURF1 cytochrome c oxidase assembly factor; minus strand). Cytogenetic location: 9q34.2.
Variant type: single nucleotide variant.
Coding change: c.2T>C on transcript NM_003172.4 (MANE Select); coding-DNA position 2, T replaced by C.
Protein change: p.Met1Thr; changes the start codon (methionine 1).
Molecular consequence: missense variant, initiator codon variant. On other transcripts: 5 prime UTR variant (1).
Genome position (GRCh38, 1-based): chr9:133,356,452, A>G on the plus strand (T>C on the coding strand, the complement: SURF1 is on the minus strand). VCF-style: chr9-133356452-A-G. GRCh37 (hg19) VCF-style: chr9-136223328-A-G.
Other names: c.-274T>C (NM_001280787.1); short protein forms M1T.
Identifiers: ClinVar variation 5007415 (VCV005007415.2).
Genomic context (GRCh38, chr9:133,356,452, plus strand): 5'-GCGCTCACCCGTCCCAGCCCCGCCGCCCGCAGCCCCAGCTGCAACGCAGCCACCGCCGCC[A>G]TCGCACCCGGCCCCGCGGGCGCTTCCGGGACGCAGGAAGCATCTGCATCCGGGGCGCCGC-3'
Protein context (NP_003163.1, residues 1-11): [Met1Thr]AAVAALQLGL

ClinVar aggregate classification (germline): Uncertain significance (1 of 4 stars; one submission).

Conditions:
Charcot-Marie-Tooth disease type 4K. Also called: CHARCOT-MARIE-TOOTH DISEASE, DEMYELINATING, TYPE 4K; CHARCOT-MARIE-TOOTH DISEASE, DEMYELINATING, AUTOSOMAL RECESSIVE, TYPE 4K; CHARCOT-MARIE-TOOTH NEUROPATHY, DEMYELINATING, AUTOSOMAL RECESSIVE, TYPE 4K. Identifiers: Orphanet 391351, MedGen C4225246, MONDO:0014733, OMIM 616684.
Mitochondrial complex IV deficiency, nuclear type 1 (MC4DN1). Also called: Complex 4 mitochondrial respiratory chain deficiency; Deficiency of mitochondrial respiratory chain complex4; Complex IV deficiency; COX DEFICIENCY; Mitochondrial complex IV deficiency. Identifiers: MedGen C5435656, MONDO:0700250, OMIM 220110. Disease mechanism: loss of function.

Submission:

Juno Genomics, Hangzhou Juno Genomics, Inc
Classification: Uncertain significance for Charcot-Marie-Tooth disease type 4K; Mitochondrial complex IV deficiency, nuclear type 1. Review status: criteria provided, single submitter. Criteria: ACMG Guidelines, 2015. Collection method: clinical testing. Allele origin: germline.
Comment: Null variant in a gene where loss of function (LOF) is a known mechanism of disease.;Absent from controls (or at extremely low frequency if recessive) in Genome Aggregation Database.